The following is an entry in ClinVar:

NM_000523.4(HOXD13):c.-30_-8dup

Gene: HOXD13 (homeobox D13; plus strand). Cytogenetic location: 2q31.1.
Variant type: Duplication.
Coding change: c.-30_-8dup on transcript NM_000523.4 (MANE Select); 30 bases upstream of the start codon through 8 bases upstream of the start codon, 23 bases duplicated (GCCAGGGCCGGGGCCGGGCCAGG).
Molecular consequence: 5 prime UTR variant.
Genome position (GRCh38, 1-based): chr2:176,092,861-176,092,883, GCCAGGGCCGGGGCCGGGCCAGG duplicated; duplicating any 23 consecutive bases within chr2:176,092,853-176,092,883 gives the same sequence; the c. name uses the placement nearest the transcript's 3' end. VCF-style (leftmost placement, unchanged base first): chr2-176092852-G-GGGGCCAGGGCCAGGGCCGGGGCC. GRCh37 (hg19) VCF-style: chr2-176957580-G-GGGGCCAGGGCCAGGGCCGGGGCC.
Identifiers: ClinVar variation 4994079 (VCV004994079.1).
Genomic context (GRCh38, chr2:176,092,852, plus strand): 5'-GAGCGAACCAGAGAGAAAGGAGAGGAGGGAGGAGGCGCGCCGCGCCATGGTGTCCTGCGC[G>GGGGCCAGGGCCAGGGCCGGGGCC]GGGCCAGGGCCAGGGCCGGGGCCGGGCCAGGCCGGGCCATGAGCCGCGCCGGGAGCTGGG-3'

ClinVar aggregate classification (germline): Uncertain significance (1 of 4 stars; one submission).

Conditions:
HOXD13-related disorder. Also called: HOXD13-related disorders; HOXD13-related condition.

Submission:

PreventionGenetics, part of Exact Sciences
Classification: Uncertain significance for HOXD13-related condition. Last evaluated: 2025-09-25. Review status: criteria provided, single submitter. Criteria: ACMG Guidelines, 2015. Collection method: clinical testing. Allele origin: germline.
Comment: The HOXD13 c.-30_-8dup23 variant is located in the 5' untranslated region. To our knowledge, this variant has not been reported in the literature or in a large population database (gnomAD), indicating this variant is rare. At this time, the clinical significance of this variant is uncertain due to the absence of conclusive functional and genetic evidence.